The following is an entry in ClinVar:

NM_001204.7(BMPR2):c.1692G>T (p.Lys564Asn)

Gene: BMPR2 (bone morphogenetic protein receptor type 2; plus strand). Cytogenetic location: 2q33.2.
Variant type: single nucleotide variant.
Coding change: c.1692G>T on transcript NM_001204.7 (MANE Select); coding-DNA position 1692, G replaced by T.
Protein change: p.Lys564Asn; replaces lysine 564 with asparagine.
Molecular consequence: missense variant.
Genome position (GRCh38, 1-based): chr2:202,555,357, G>T. VCF-style: chr2-202555357-G-T. GRCh37 (hg19) VCF-style: chr2-203420080-G-T.
Other names: short protein forms K564N.
Identifiers: ClinVar variation 3824962 (VCV003824962.2).
Genomic context (GRCh38, chr2:202,555,357, plus strand): 5'-AGATTATTCTTCCTCCTCATACATTGAAGACTCTATCCATCATACTGACAGCATCGTGAA[G>T]AATATTTCCTCTGAGCATTCTATGTCCAGCACACCTTTGACTATAGGGGAAAAAAACCGA-3'
Protein context (NP_001195.2, residues 554-574): DSIHHTDSIV[Lys564Asn]NISSEHSMSS

ClinVar aggregate classification (germline): Uncertain significance (1 of 4 stars; one submission).

Conditions:
Inborn genetic diseases. Identifiers: MedGen C0950123, MeSH D030342.

Submission:

Ambry Genetics
Classification: Uncertain significance for Inborn genetic diseases. Last evaluated: 2025-03-27. Review status: criteria provided, single submitter. Criteria: Ambry Variant Classification Scheme 2023. Collection method: clinical testing. Allele origin: germline.
Comment: The p.K564N variant (also known as c.1692G>T), located in coding exon 12 of the BMPR2 gene, results from a G to T substitution at nucleotide position 1692. The lysine at codon 564 is replaced by asparagine, an amino acid with similar properties. This amino acid position is conserved. In addition, this alteration is predicted to be tolerated by in silico analysis. Based on the available evidence, the clinical significance of this variant remains unclear.